The following is an entry in ClinVar:

NM_001278116.2(L1CAM):c.232C>T (p.Pro78Ser)

Gene: L1CAM (L1 cell adhesion molecule; minus strand). Cytogenetic location: Xq28.
Variant type: single nucleotide variant.
Coding change: c.232C>T on transcript NM_001278116.2 (MANE Select); coding-DNA position 232, C replaced by T.
Protein change: p.Pro78Ser; replaces proline 78 with serine.
Molecular consequence: missense variant.
Genome position (GRCh38, 1-based): chrX:153,872,320, G>A on the plus strand (C>T on the coding strand, the complement: L1CAM is on the minus strand). VCF-style: chrX-153872320-G-A. GRCh37 (hg19) VCF-style: chrX-153137775-G-A.
Other names: c.232C>T, p.Pro78Ser (NM_000425.5, NM_024003.3); c.217C>T, p.Pro73Ser (NM_001143963.2); short protein forms P78S, P73S.
Identifiers: ClinVar variation 516882 (VCV000516882.10), dbSNP rs144542429, ClinGen allele CA10554627.
Genomic context (GRCh38, chrX:153,872,320, plus strand): 5'-TGATGGTGAAGGAGCCAGAGTGGGGCGACTGGTACACGGTCACACCCAGCTCTTCCTTGG[G>A]TTTGAAGTGGACACCATCCCTCGTCCAGCGGAACCTGTGGGCGGAAAAAGGCCCAGAGGC-3'
Protein context (NP_001265045.1, residues 68-88): RWTRDGVHFK[Pro78Ser]KEELGVTVYQ

ClinVar aggregate classification (germline): Conflicting classifications of pathogenicity. Review status: criteria provided, conflicting classifications (1 of 4 stars). 3 submissions from 3 submitters: Uncertain significance (1); Likely benign (2). Last evaluated 2025-06-01.

Conditions:
Spastic paraplegia. Identifiers: MedGen C0037772, HP:0001258.
Inborn genetic diseases. Identifiers: MedGen C0950123, MeSH D030342.

Allele frequency attached by ClinVar (database versions not stated): ExAC 0.00003; gnomAD exomes 0.00005 and 0.00006; TOPMed 0.00005; gnomAD 0.00007; ESP Exome Variant Server 0.00009.
gnomAD v4.1: 70 of 1,205,065 alleles (0.0058%); highest among the groups gnomAD compares: Non-Finnish European, 0.0074%; no homozygotes.

Submissions (3):

Labcorp Genetics (formerly Invitae), Labcorp
Classification: Likely benign for Spastic paraplegia. Last evaluated: 2025-06-01. Review status: criteria provided, single submitter. Criteria: Invitae Variant Classification Sherloc (09022015). Collection method: clinical testing. Allele origin: germline.

Ambry Genetics
Classification: Uncertain significance for Inborn genetic diseases. Last evaluated: 2020-11-12. Review status: criteria provided, single submitter. Criteria: Ambry Variant Classification Scheme 2023. Collection method: clinical testing. Allele origin: germline.
Comment: The c.232C>T (p.P78S) alteration is located in exon 4 (coding exon 4) of the L1CAM gene. This alteration results from a C to T substitution at nucleotide position 232, causing the proline (P) at amino acid position 78 to be replaced by a serine (S). Based on data from the Genome Aggregation Database (gnomAD) database, the L1CAM c.232C>T alteration was observed in 0.005% (11/204,038) of total alleles studied, with a frequency of 0.01% (10/91,747) in the European (non-Finnish) subpopulation. This amino acid position is not well conserved in available vertebrate species. The p.P78S alteration is predicted to be tolerated by in silico analysis. Based on insufficient or conflicting evidence, the clinical significance of this alteration remains unclear.

GeneDx
Classification: Likely benign. Last evaluated: 2017-08-14. Review status: criteria provided, single submitter. Criteria: GeneDx Variant Classification (06012015). Collection method: clinical testing. Allele origin: germline. Affected: yes.
Comment: This variant is considered likely benign or benign based on one or more of the following criteria: it is a conservative change, it occurs at a poorly conserved position in the protein, it is predicted to be benign by multiple in silico algorithms, and/or has population frequency not consistent with disease.